The following is an entry in ClinVar:

NM_000533.5(PLP1):c.119T>A (p.Leu40His)

Genes: PLP1 (proteolipid protein 1; plus strand), RAB9B (RAB9B, member RAS oncogene family; minus strand). Cytogenetic location: Xq22.2.
Variant type: single nucleotide variant.
Coding change: c.119T>A on transcript NM_000533.5 (MANE Select); coding-DNA position 119, T replaced by A.
Protein change: p.Leu40His; replaces leucine 40 with histidine.
Molecular consequence: missense variant. On other transcripts: intron variant (1).
Genome position (GRCh38, 1-based): chrX:103,785,696, T>A. VCF-style: chrX-103785696-T-A. GRCh37 (hg19) VCF-style: chrX-103040625-T-A.
Other names: c.119T>A, p.Leu40His (NM_001128834.3, NM_199478.3); c.5-51T>A (NM_001305004.1); short protein forms L40H.
Identifiers: ClinVar variation 3255429 (VCV003255429.2), dbSNP rs2522301573.

ClinVar aggregate classification (germline): Likely pathogenic (1 of 4 stars; one submission).

Conditions:
Pelizaeus-Merzbacher disease. Also called: LEUKODYSTROPHY, HYPOMYELINATING, 1; Sudanophilic leukodystrophy; Pelizaeus-Merzbacher spectrum disorder; Pelizaeus-Merzbacher Disease (PMD); Pelizeaus-Merzbacher spectrum disorder. Identifiers: Orphanet 702, MedGen C0205711, MONDO:0010714, OMIM 312080, HP:0003269.

Submission:

Molecular Diagnostics Lab, Nemours Children's Health, Delaware
Classification: Likely pathogenic for Pelizaeus-Merzbacher disease. Last evaluated: 2024-06-14. Review status: criteria provided, single submitter. Criteria: ACMG Guidelines, 2015. Collection method: clinical testing. Allele origin: maternal, unknown. Inheritance: X-linked inheritance. Affected: yes and no. Observed: 1 heterozygote, 1 hemizygote.
Comment: This missense variant (c.119T>A, p.Leu40His) has not been observed in population databases (gnomAD). It has not been described in the literature. Variant prediction programs suggest a deleterious effect on the PLP1 protein, but no functional studies have been published.